The following is an entry in ClinVar:

ClinVar aggregate classification (germline): Likely benign. Review status: criteria provided, multiple submitters, no conflicts (2 of 4 stars). 3 submissions from 3 submitters: Likely benign (3). Last evaluated 2026-01-01.

Allele frequency attached by ClinVar (database versions not stated): ExAC 0.00010; 1000 Genomes Project 30x 0.00016; gnomAD 0.00016; gnomAD exomes 0.00016 and 0.00044; TOPMed 0.00017; 1000 Genomes Project 0.00020.

Submissions (3):

Labcorp Genetics (formerly Invitae), Labcorp
Classification: Likely benign. Last evaluated: 2026-01-01. Review status: criteria provided, single submitter. Criteria: Invitae Variant Classification Sherloc (09022015). Collection method: clinical testing. Allele origin: germline.

CeGaT Center for Human Genetics Tuebingen
Classification: Likely benign. Last evaluated: 2025-02-01. Review status: criteria provided, single submitter. Criteria: CeGaT Center For Human Genetics Tuebingen Variant Classification Criteria Version 2. Collection method: clinical testing. Allele origin: germline. Affected: yes. Observed: 3 variant alleles.
Comment: PTPN23: BP4, BP7

Blueprint Genetics
Classification: Likely benign. Last evaluated: 2024-09-06. Review status: criteria provided, single submitter. Criteria: ACMG Guidelines, 2015. Collection method: clinical testing. Allele origin: germline.

NM_015466.4(PTPN23):c.4062T>G (p.Thr1354=)

Gene: PTPN23 (protein tyrosine phosphatase non-receptor type 23; plus strand). Cytogenetic location: 3p21.31.
Variant type: single nucleotide variant.
Coding change: c.4062T>G on transcript NM_015466.4 (MANE Select); coding-DNA position 4062, T replaced by G.
Protein change: p.Thr1354=; no amino-acid change (threonine 1354 retained).
Molecular consequence: synonymous variant.
Genome position (GRCh38, 1-based): chr3:47,411,956, T>G. VCF-style: chr3-47411956-T-G. GRCh37 (hg19) VCF-style: chr3-47453446-T-G.
Other names: c.3684T>G, p.Thr1228= (NM_001304482.2).
Identifiers: ClinVar variation 1647419 (VCV001647419.33), dbSNP rs139904216, ClinGen allele CA2366435.
Genomic context (GRCh38, chr3:47,411,956, plus strand): 5'-GAGCCTGCAGTTCCGAGACCAGAGCCTCAAGCGCTCTCTTGTGCACCTGCACTTCCCCAC[T>G]TGGCCTGAGTTGTGAGTCCACTGCTCTGGATGGTGGTTGGGGGTCTAAGTGCTGTCCAGT-3'
Protein context (NP_056281.1, residues 1344-1364): KRSLVHLHFP[Thr1354=]WPELGLPDSP